The following is an entry in ClinVar:

ClinVar aggregate classification (germline): Likely benign. Review status: criteria provided, single submitter (1 of 4 stars). 2 submissions from 2 submitters: Likely benign (1). 1 of the submissions does not count toward it. Last evaluated 2025-03-06.

Conditions:
EP300-related disorder. Also called: EP300-related condition; EP300-related disorders.
Rubinstein-Taybi syndrome due to EP300 haploinsufficiency. Also called: EP300-Related Rubinstein-Taybi Syndrome; RUBINSTEIN-TAYBI SYNDROME 2. Identifiers: Orphanet 353284, Orphanet 783, MedGen C3150941, MONDO:0013364, OMIM 613684.

Submissions (2):

Labcorp Genetics (formerly Invitae), Labcorp
Classification: Likely benign for Rubinstein-Taybi syndrome due to EP300 haploinsufficiency. Last evaluated: 2025-03-06. Review status: criteria provided, single submitter. Criteria: Invitae Variant Classification Sherloc (09022015). Collection method: clinical testing. Allele origin: germline.

PreventionGenetics, part of Exact Sciences
Classification: Uncertain significance for EP300-related condition. Last evaluated: 2024-08-21. Review status: no assertion criteria provided. Collection method: clinical testing. Allele origin: germline. Not counted in ClinVar's aggregate classification.
Comment: The EP300 c.6982T>C variant is predicted to result in the amino acid substitution p.Ser2328Pro. To our knowledge, this variant has not been reported in the literature. This variant is reported in 0.014% of alleles in individuals of Latino descent in gnomAD. At this time, the clinical significance of this variant is uncertain due to the absence of conclusive functional and genetic evidence.

NM_001429.4(EP300):c.6982T>C (p.Ser2328Pro)

Gene: EP300 (EP300 lysine acetyltransferase; plus strand). Cytogenetic location: 22q13.2.
Variant type: single nucleotide variant.
Coding change: c.6982T>C on transcript NM_001429.4 (MANE Select); coding-DNA position 6982, T replaced by C.
Protein change: p.Ser2328Pro; replaces serine 2328 with proline.
Molecular consequence: missense variant.
Genome position (GRCh38, 1-based): chr22:41,178,693, T>C. VCF-style: chr22-41178693-T-C. GRCh37 (hg19) VCF-style: chr22-41574697-T-C.
Other names: c.6904T>C, p.Ser2302Pro (NM_001362843.2); short protein forms S2302P, S2328P.
Identifiers: ClinVar variation 3350459 (VCV003350459.2).